The following is an entry in ClinVar:

NM_015909.4(NBAS):c.4680C>A (p.Cys1560Ter)

Gene: NBAS (NBAS subunit of NRZ tethering complex; minus strand). Cytogenetic location: 2p24.3.
Variant type: single nucleotide variant.
Coding change: c.4680C>A on transcript NM_015909.4 (MANE Select); coding-DNA position 4680, C replaced by A.
Protein change: p.Cys1560Ter; replaces cysteine 1560 with a stop codon.
Molecular consequence: nonsense. On other transcripts: non-coding transcript variant (1).
Genome position (GRCh38, 1-based): chr2:15,308,333, G>T on the plus strand (C>A on the coding strand, the complement: NBAS is on the minus strand). VCF-style: chr2-15308333-G-T. GRCh37 (hg19) VCF-style: chr2-15448457-G-T.
Other names: short protein forms C1560*.
Identifiers: ClinVar variation 451891 (VCV000451891.4), dbSNP rs1553367857, ClinGen allele CA345893449.

ClinVar aggregate classification (germline): Likely pathogenic (1 of 4 stars; one submission).

Submission:

GeneDx
Classification: Likely pathogenic. Last evaluated: 2020-05-08. Review status: criteria provided, single submitter. Criteria: GeneDx Variant Classification Process June 2021. Collection method: clinical testing. Allele origin: germline. Affected: yes.
Comment: Nonsense variant predicted to result in protein truncation or nonsense mediated decay in a gene for which loss-of-function is a known mechanism of disease; Not observed in large population cohorts (Lek et al., 2016); Has not been previously published as pathogenic or benign to our knowledge